The following is an entry in ClinVar:

ClinVar aggregate classification (germline): Uncertain significance. Review status: criteria provided, multiple submitters, no conflicts (2 of 4 stars). 2 submissions from 2 submitters: Uncertain significance (2). Last evaluated 2020-11-10.

Conditions:
Hereditary cancer-predisposing syndrome. Also called: Neoplastic Syndromes, Hereditary; Tumor predisposition; Hereditary Cancer Syndrome; Hereditary neoplastic syndrome. Identifiers: Orphanet 140162, MedGen C0027672, MeSH D009386, MONDO:0015356.
Ataxia-telangiectasia-like disorder (ATLD). Identifiers: MedGen C1858391, MONDO:0011457.

Submissions (2):

Labcorp Genetics (formerly Invitae), Labcorp
Classification: Uncertain significance for Ataxia-telangiectasia-like disorder. Last evaluated: 2020-11-10. Review status: criteria provided, single submitter. Criteria: Invitae Variant Classification Sherloc (09022015). Collection method: clinical testing. Allele origin: germline.
Comment: In summary, the available evidence is currently insufficient to determine the role of this variant in disease. Therefore, it has been classified as a Variant of Uncertain Significance. Algorithms developed to predict the effect of missense changes on protein structure and function (SIFT, PolyPhen-2, Align-GVGD) all suggest that this variant is likely to be tolerated, but these predictions have not been confirmed by published functional studies and their clinical significance is uncertain. This variant has not been reported in the literature in individuals with MRE11-related conditions. ClinVar contains an entry for this variant (Variation ID: 231347). This variant is not present in population databases (ExAC no frequency). This sequence change replaces lysine with arginine at codon 204 of the MRE11 protein (p.Lys204Arg). The lysine residue is moderately conserved and there is a small physicochemical difference between lysine and arginine.

Ambry Genetics
Classification: Uncertain significance for Hereditary cancer-predisposing syndrome. Last evaluated: 2020-01-29. Review status: criteria provided, single submitter. Criteria: Ambry Variant Classification Scheme 2023. Collection method: clinical testing. Allele origin: germline.
Comment: The p.K204R variant (also known as c.611A>G), located in coding exon 6 of the MRE11A gene, results from an A to G substitution at nucleotide position 611. The lysine at codon 204 is replaced by arginine, an amino acid with highly similar properties. This amino acid position is well conserved in available vertebrate species. In addition, this alteration is predicted to be tolerated by in silico analysis. Since supporting evidence is limited at this time, the clinical significance of this alteration remains unclear.

NM_005591.4(MRE11):c.611A>G (p.Lys204Arg)

Gene: MRE11 (MRE11 double strand break repair nuclease; minus strand). Cytogenetic location: 11q21.
Variant type: single nucleotide variant.
Coding change: c.611A>G on transcript NM_005591.4 (MANE Select); coding-DNA position 611, A replaced by G.
Protein change: p.Lys204Arg; replaces lysine 204 with arginine.
Molecular consequence: missense variant.
Genome position (GRCh38, 1-based): chr11:94,476,337, T>C on the plus strand (A>G on the coding strand, the complement: MRE11 is on the minus strand). VCF-style: chr11-94476337-T-C. GRCh37 (hg19) VCF-style: chr11-94209503-T-C.
Other names: c.611A>G, p.Lys204Arg (NM_001330347.2, NM_005590.4); short protein forms K204R.
Identifiers: ClinVar variation 231347 (VCV000231347.15), dbSNP rs876659107, ClinGen allele CA10579404.